The following is an entry in ClinVar:

ClinVar aggregate classification (germline): Uncertain significance (1 of 4 stars; one submission).

Conditions:
GNAS-related disorder. Identifiers: MedGen CN380105.

gnomAD v4.1: 1 of 1,612,830 alleles (0.000062%); highest among the groups gnomAD compares: South Asian, 0.0011%; no homozygotes.

Submission:

PreventionGenetics, part of Exact Sciences
Classification: Uncertain significance for GNAS-related condition. Last evaluated: 2025-09-03. Review status: criteria provided, single submitter. Criteria: ACMG Guidelines, 2015. Collection method: clinical testing. Allele origin: germline.
Comment: The GNAS c.400A>G variant is predicted to result in the amino acid substitution p.Thr134Ala. To our knowledge, this variant has not been reported in the literature or in a large population database (gnomAD), indicating this variant is rare. At this time, the clinical significance of this variant is uncertain due to the absence of conclusive functional and genetic evidence.

NM_016592.5(GNAS):c.400A>G (p.Thr134Ala)

Genes: GNAS-AS1 (GNAS antisense RNA 1; minus strand), GNAS (GNAS complex locus; plus strand). Cytogenetic location: 20q13.32.
Variant type: single nucleotide variant.
Coding change: c.400A>G on transcript NM_016592.5 (MANE Plus Clinical); coding-DNA position 400, A replaced by G.
Protein change: p.Thr134Ala; replaces threonine 134 with alanine.
Molecular consequence: missense variant. On other transcripts: 5 prime UTR variant (1).
Genome position (GRCh38, 1-based): chr20:58,840,506, A>G. VCF-style: chr20-58840506-A-G. GRCh37 (hg19) VCF-style: chr20-57415561-A-G.
Other names: c.-338A>G (NM_001410912.1); short protein forms T134A.
Identifiers: ClinVar variation 4991466 (VCV004991466.1).